The following is an entry in ClinVar:

NM_001379500.1(COL18A1):c.2303T>C (p.Ile768Thr)

Gene: COL18A1 (collagen type XVIII alpha 1 chain; plus strand). Cytogenetic location: 21q22.3.
Variant type: single nucleotide variant.
Coding change: c.2303T>C on transcript NM_001379500.1 (MANE Select); coding-DNA position 2303, T replaced by C.
Protein change: p.Ile768Thr; replaces isoleucine 768 with threonine.
Molecular consequence: missense variant.
Genome position (GRCh38, 1-based): chr21:45,493,526, T>C. VCF-style: chr21-45493526-T-C. GRCh37 (hg19) VCF-style: chr21-46913440-T-C.
Other names: c.2843T>C, p.Ile948Thr (NM_030582.4); c.3548T>C, p.Ile1183Thr (NM_130444.3); short protein forms I768T, I1183T, I948T.
Identifiers: ClinVar variation 2175166 (VCV002175166.3), dbSNP rs746606931, ClinGen allele CA10066980.

ClinVar aggregate classification (germline): Uncertain significance (1 of 4 stars; one submission).

Allele frequency attached by ClinVar (database versions not stated): gnomAD 0.00001; gnomAD exomes 0.00002; ExAC 0.00019.
gnomAD v4.1: 26 of 1,562,256 alleles (0.0017%); highest among the groups gnomAD compares: South Asian, 0.027%; no homozygotes.

Submission:

Labcorp Genetics (formerly Invitae), Labcorp
Classification: Uncertain significance. Last evaluated: 2025-01-15. Review status: criteria provided, single submitter. Criteria: Invitae Variant Classification Sherloc (09022015). Collection method: clinical testing. Allele origin: germline.
Comment: This sequence change replaces isoleucine, which is neutral and non-polar, with threonine, which is neutral and polar, at codon 768 of the COL18A1 protein (p.Ile768Thr). This variant is present in population databases (rs746606931, gnomAD 0.04%). This variant has not been reported in the literature in individuals affected with COL18A1-related conditions. ClinVar contains an entry for this variant (Variation ID: 2175166). Experimental studies and prediction algorithms are not available or were not evaluated, and the functional significance of this variant is currently unknown. In summary, the available evidence is currently insufficient to determine the role of this variant in disease. Therefore, it has been classified as a Variant of Uncertain Significance.